The following is an entry in ClinVar:

ClinVar aggregate classification (germline): Likely benign (1 of 4 stars; one submission).

Conditions:
TTC21B-related disorder. Also called: TTC21B-related condition; TTC21B-related disorders.

Submission:

PreventionGenetics, part of Exact Sciences
Classification: Likely benign for TTC21B-related condition. Last evaluated: 2025-07-28. Review status: criteria provided, single submitter. Criteria: ACMG Guidelines, 2015. Collection method: clinical testing. Allele origin: germline.
Comment: This variant is classified as likely benign based on ACMG/AMP sequence variant interpretation guidelines (Richards et al. 2015 PMID: 25741868, with internal and published modifications).

NM_024753.5(TTC21B):c.1675-8T>C

Gene: TTC21B (tetratricopeptide repeat domain 21B; minus strand). Cytogenetic location: 2q24.3.
Variant type: single nucleotide variant.
Coding change: c.1675-8T>C on transcript NM_024753.5 (MANE Select); 8 bases into the intron before coding-DNA position 1675, T replaced by C.
Molecular consequence: intron variant.
Genome position (GRCh38, 1-based): chr2:165,917,489, A>G on the plus strand (T>C on the coding strand, the complement: TTC21B is on the minus strand). VCF-style: chr2-165917489-A-G. GRCh37 (hg19) VCF-style: chr2-166773999-A-G.
Identifiers: ClinVar variation 4998738 (VCV004998738.1).